The following is an entry in ClinVar:

ClinVar aggregate classification (germline): Likely pathogenic (0 of 4 stars; one submission).

Conditions:
Restrictive cardiomyopathy. Identifiers: Orphanet 217632, MedGen C0007196, MeSH D002313, MONDO:0005201, HP:0001723.

Submission:

Genotypic Technology Pvt Ltd
Classification: Likely pathogenic for Restrictive cardiomyopathy. Last evaluated: 2022-11-21. Review status: no assertion criteria provided. Collection method: clinical testing. Allele origin: germline. Inheritance: Autosomal dominant inheritance. Affected: yes.
Comment: A novel frame shift variant in gene TTN (Chr2:179438992:AT>AT/A. Deletion of a nucleotide base causes shift in reading frame of mRNA p.Ile23956LeufsTer17 and leads to per mature termination of the protein.

NM_001267550.2(TTN):c.71866del (p.Ile23956fs)

Genes: TTN (titin; minus strand), TTN-AS1 (TTN antisense RNA 1; plus strand). Cytogenetic location: 2q31.2.
Variant type: Deletion.
Coding change: c.71866del on transcript NM_001267550.2 (MANE Select); coding-DNA position 71866, one base deleted (A; older notation c.71866delA).
Protein change: p.Ile23956fs; shifts the reading frame from isoleucine 23956.
Molecular consequence: frameshift variant.
Genome position (GRCh38, 1-based): chr2:178,574,266, T deleted on the plus strand (A on the coding strand, the reverse complement: TTN is on the minus strand); the first of 4 consecutive T bases (chr2:178,574,266-178,574,269); deleting any one gives the same sequence. VCF-style (leftmost placement, unchanged base first): chr2-178574265-AT-A. GRCh37 (hg19) VCF-style: chr2-179438992-AT-A.
Other names: c.66943del, p.Ile22315fs (NM_001256850.1); c.44671del, p.Ile14891fs (NM_003319.4); c.64162del, p.Ile21388fs (NM_133378.4); c.45046del, p.Ile15016fs (NM_133432.3); c.45247del, p.Ile15083fs (NM_133437.4); short protein forms I14891fs, I15016fs, I15083fs, I21388fs, I22315fs, I23956fs.
Identifiers: ClinVar variation 2506420 (VCV002506420.2), dbSNP rs2468622411, ClinGen allele CA2695197002.